The following is an entry in ClinVar:

NM_052947.4(ALPK2):c.3791G>T (p.Gly1264Val)

Genes: ALPK2 (alpha kinase 2; minus strand), LOC126862764 (BRD4-independent group 4 enhancer GRCh37_chr18:56202574-56203773; plus strand). Cytogenetic location: 18q21.31.
Variant type: single nucleotide variant.
Coding change: c.3791G>T on transcript NM_052947.4 (MANE Select); coding-DNA position 3791, G replaced by T.
Protein change: p.Gly1264Val; replaces glycine 1264 with valine.
Molecular consequence: missense variant.
Genome position (GRCh38, 1-based): chr18:58,536,396, C>A on the plus strand (G>T on the coding strand, the complement: ALPK2 is on the minus strand). VCF-style: chr18-58536396-C-A. GRCh37 (hg19) VCF-style: chr18-56203628-C-A.
Other names: short protein forms G1264V.
Identifiers: ClinVar variation 1734958 (VCV001734958.2), dbSNP rs2518875936, ClinGen allele CA402565604.

ClinVar aggregate classification (germline): Uncertain significance (1 of 4 stars; one submission).

Submission:

Ambry Genetics
Classification: Uncertain significance. Last evaluated: 2022-02-12. Review status: criteria provided, single submitter. Criteria: Ambry Variant Classification Scheme 2023. Collection method: clinical testing. Allele origin: germline.
Comment: The p.G1264V variant (also known as c.3791G>T), located in coding exon 4 of the ALPK2 gene, results from a G to T substitution at nucleotide position 3791. The glycine at codon 1264 is replaced by valine, an amino acid with dissimilar properties. This amino acid position is conserved. In addition, this alteration is predicted to be tolerated by in silico analysis. Since supporting evidence is limited at this time, the clinical significance of this alteration remains unclear.